The following is an entry in ClinVar:

ClinVar aggregate classification (germline): Uncertain significance. Review status: criteria provided, multiple submitters, no conflicts (2 of 4 stars). 3 submissions from 3 submitters: Uncertain significance (3). Last evaluated 2025-07-25.

Conditions:
Immunodeficiency 51 (IMD51). Also called: CANDIDIASIS, FAMILIAL, 5. Identifiers: Orphanet 1334, MedGen C4310803, MONDO:0013500, OMIM 613953.

Allele frequency attached by ClinVar (database versions not stated): gnomAD exomes below 0.00001; gnomAD 0.00001; TOPMed 0.00002.
gnomAD v4.1: 3 of 1,611,274 alleles (0.00019%); highest among the groups gnomAD compares: Admixed American, 0.0017%; no homozygotes.

Submissions (3):

Laboratorio de Genetica e Diagnostico Molecular, Hospital Israelita Albert Einstein
Classification: Uncertain significance for Immunodeficiency 51. Last evaluated: 2025-07-25. Review status: criteria provided, single submitter. Criteria: ACMG Guidelines, 2015. Collection method: clinical testing. Allele origin: germline. Affected: yes.
Comment: ACMG classification criteria: PM2 supporting, BP4 supporting

Ambry Genetics
Classification: Uncertain significance. Last evaluated: 2022-04-13. Review status: criteria provided, single submitter. Criteria: Ambry Variant Classification Scheme 2023. Collection method: clinical testing. Allele origin: germline.

Labcorp Genetics (formerly Invitae), Labcorp
Classification: Uncertain significance for Immunodeficiency 51. Last evaluated: 2022-01-15. Review status: criteria provided, single submitter. Criteria: Invitae Variant Classification Sherloc (09022015). Collection method: clinical testing. Allele origin: germline.
Comment: Algorithms developed to predict the effect of missense changes on protein structure and function are either unavailable or do not agree on the potential impact of this missense change (SIFT: "Deleterious"; PolyPhen-2: "Probably Damaging"; Align-GVGD: "Class C0"). In summary, the available evidence is currently insufficient to determine the role of this variant in disease. Therefore, it has been classified as a Variant of Uncertain Significance. This variant has not been reported in the literature in individuals affected with IL17RA-related conditions. This sequence change replaces glutamic acid, which is acidic and polar, with glycine, which is neutral and non-polar, at codon 435 of the IL17RA protein (p.Glu435Gly). This variant is not present in population databases (gnomAD no frequency).

NM_014339.7(IL17RA):c.1304A>G (p.Glu435Gly)

Gene: IL17RA (interleukin 17 receptor A; plus strand). Cytogenetic location: 22q11.1.
Variant type: single nucleotide variant.
Coding change: c.1304A>G on transcript NM_014339.7 (MANE Select); coding-DNA position 1304, A replaced by G.
Protein change: p.Glu435Gly; replaces glutamic acid 435 with glycine.
Molecular consequence: missense variant.
Genome position (GRCh38, 1-based): chr22:17,108,523, A>G. VCF-style: chr22-17108523-A-G. GRCh37 (hg19) VCF-style: chr22-17589413-A-G.
Other names: c.1304A>G (NM_014339.5); c.1202A>G, p.Glu401Gly (NM_001289905.2); short protein forms E401G, E435G.
Identifiers: ClinVar variation 1348229 (VCV001348229.10), dbSNP rs1304084287, ClinGen allele CA410216433.